The following is an entry in ClinVar:

ClinVar aggregate classification (germline): Pathogenic/Likely pathogenic. Review status: criteria provided, multiple submitters, no conflicts (2 of 4 stars). 4 submissions from 4 submitters: Pathogenic (3); Likely pathogenic (1). Last evaluated 2024-02-01.

Conditions:
Hereditary cancer-predisposing syndrome. Also called: Neoplastic Syndromes, Hereditary; Tumor predisposition; Hereditary neoplastic syndrome; Hereditary Cancer Syndrome. Identifiers: Orphanet 140162, MedGen C0027672, MeSH D009386, MONDO:0015356.
Familial adenomatous polyposis 1 (FAP1). Also called: POLYPOSIS, ADENOMATOUS INTESTINAL; FAMILIAL ADENOMATOUS POLYPOSIS 1, ATTENUATED. Identifiers: MedGen C2713442, MONDO:0021056, OMIM 175100. Disease mechanism: loss of function.

Submissions (4):

Baylor Genetics
Classification: Likely pathogenic for Familial adenomatous polyposis 1. Last evaluated: 2024-02-01. Review status: criteria provided, single submitter. Criteria: ACMG Guidelines, 2015. Collection method: clinical testing. Allele origin: unknown.

Labcorp Genetics (formerly Invitae), Labcorp
Classification: Pathogenic for Familial adenomatous polyposis 1. Last evaluated: 2023-11-02. Review status: criteria provided, single submitter. Criteria: Invitae Variant Classification Sherloc (09022015). Collection method: clinical testing. Allele origin: germline.
Comment: This sequence change creates a premature translational stop signal (p.Ser2466Hisfs*18) in the APC gene. While this is not anticipated to result in nonsense mediated decay, it is expected to disrupt the last 378 amino acid(s) of the APC protein. This variant is not present in population databases (gnomAD no frequency). This variant has not been reported in the literature in individuals affected with APC-related conditions. ClinVar contains an entry for this variant (Variation ID: 827015). This variant is expected to disrupt the EB1 and HDLG binding sites, which mediate interactions with the cytoskeleton (PMID: 15311282, 17293347). While functional studies have not been performed to directly test the effect on APC protein function, this suggests that disruption of the C-terminal portion of the protein is functionally important. A different truncation (p.Tyr2645Lysfs*14) that lies downstream of this variant has been determined to be pathogenic (PMID: 9824584, 1316610, 27081525, 8381579, 22135120, Invitae). This suggests that deletion of this region of the APC protein is causative of disease. For these reasons, this variant has been classified as Pathogenic.

Myriad Genetics, Inc.
Classification: Pathogenic for Familial adenomatous polyposis 1. Last evaluated: 2023-05-16. Review status: criteria provided, single submitter. Criteria: Myriad Autosomal Dominant, Autosomal Recessive and X-Linked Classification Criteria (2023). Collection method: clinical testing. Allele origin: unknown.
Comment: This variant is considered pathogenic. This variant creates a frameshift predicted to result in premature protein truncation.

Ambry Genetics
Classification: Pathogenic for Hereditary cancer-predisposing syndrome. Last evaluated: 2019-09-05. Review status: criteria provided, single submitter. Criteria: Ambry Variant Classification Scheme 2023. Collection method: clinical testing. Allele origin: germline.
Comment: The c.7395_7398delTTCT pathogenic mutation, located in coding exon 15 of the APC gene, results from a deletion of 4 nucleotides at nucleotide positions 7395 to 7398, causing a translational frameshift with a predicted alternate stop codon (p.S2466Hfs*18). This alteration is expected to result in loss of function by premature protein truncation. As such, this alteration is interpreted as a disease-causing mutation.

Literature cited by the submitters: PubMed 15311282 (cited by Labcorp Genetics (formerly Invitae), Labcorp); PubMed 17293347 (cited by Labcorp Genetics (formerly Invitae), Labcorp); PubMed 9824584 (cited by Labcorp Genetics (formerly Invitae), Labcorp); PubMed 1316610 (cited by Labcorp Genetics (formerly Invitae), Labcorp); PubMed 27081525 (cited by Labcorp Genetics (formerly Invitae), Labcorp); PubMed 8381579 (cited by Labcorp Genetics (formerly Invitae), Labcorp); PubMed 22135120 (cited by Labcorp Genetics (formerly Invitae), Labcorp).

NM_000038.6(APC):c.7395_7398del (p.Ser2466fs)

Gene: APC (APC regulator of Wnt signaling pathway; plus strand). Cytogenetic location: 5q22.2.
Variant type: Deletion.
Coding change: c.7395_7398del on transcript NM_000038.6 (MANE Select); coding-DNA positions 7395 to 7398, 4 bases deleted (TTCT; older notation c.7395_7398delTTCT).
Protein change: p.Ser2466fs; shifts the reading frame from serine 2466.
Molecular consequence: frameshift variant.
Genome position (GRCh38, 1-based): chr5:112,842,989-112,842,992, TTCT deleted; deleting any 4 consecutive bases within chr5:112,842,986-112,842,992 gives the same sequence; the c. name uses the placement nearest the transcript's 3' end. VCF-style (leftmost placement, unchanged base first): chr5-112842985-CTCTT-C. GRCh37 (hg19) VCF-style: chr5-112178682-CTCTT-C.
Other names: c.7395_7398del, p.Ser2466fs (NM_001127510.3, NM_001354895.2); c.7341_7344del, p.Ser2448fs (NM_001127511.3); c.7449_7452del, p.Ser2484fs (NM_001354896.2); c.7425_7428del, p.Ser2476fs (NM_001354897.2); c.7320_7323del, p.Ser2441fs (NM_001354898.2); c.7311_7314del, p.Ser2438fs (NM_001354899.2); c.7272_7275del, p.Ser2425fs (NM_001354900.2); c.7218_7221del, p.Ser2407fs (NM_001354901.2); and 5 more; short protein forms S2183fs, S2340fs, S2407fs, S2441fs, S2365fs, S2448fs, S2466fs, S2306fs.
Identifiers: ClinVar variation 827015 (VCV000827015.10), dbSNP rs1580682001, ClinGen allele CA915943520.